The following is an entry in ClinVar:

NM_002439.5(MSH3):c.2569A>G (p.Ile857Val)

Gene: MSH3 (mutS homolog 3; plus strand). Cytogenetic location: 5q14.1.
Variant type: single nucleotide variant.
Coding change: c.2569A>G on transcript NM_002439.5 (MANE Select); coding-DNA position 2569, A replaced by G.
Protein change: p.Ile857Val; replaces isoleucine 857 with valine.
Molecular consequence: missense variant.
Genome position (GRCh38, 1-based): chr5:80,792,758, A>G. VCF-style: chr5-80792758-A-G. GRCh37 (hg19) VCF-style: chr5-80088577-A-G.
Other names: short protein forms I857V.
Identifiers: ClinVar variation 1793190 (VCV001793190.3), dbSNP rs1025319425, ClinGen allele CA121296506.

ClinVar aggregate classification (germline): Uncertain significance (1 of 4 stars; one submission).

Conditions:
Hereditary cancer-predisposing syndrome. Also called: Tumor predisposition; Hereditary Cancer Syndrome; Neoplastic Syndromes, Hereditary; Hereditary neoplastic syndrome. Identifiers: Orphanet 140162, MedGen C0027672, MeSH D009386, MONDO:0015356.

Allele frequency attached by ClinVar (database versions not stated): TOPMed below 0.00001; gnomAD 0.00001.
gnomAD v4.1: 1 of 1,612,760 alleles (0.000062%); highest among the groups gnomAD compares: African/African-American, 0.0013%; no homozygotes.

Submission:

Ambry Genetics
Classification: Uncertain significance for Hereditary cancer-predisposing syndrome. Last evaluated: 2025-07-01. Review status: criteria provided, single submitter. Criteria: Ambry Variant Classification Scheme 2023. Collection method: clinical testing. Allele origin: germline.
Comment: The p.I857V variant (also known as c.2569A>G), located in coding exon 19 of the MSH3 gene, results from an A to G substitution at nucleotide position 2569. The isoleucine at codon 857 is replaced by valine, an amino acid with highly similar properties. This amino acid position is highly conserved in available vertebrate species. In addition, the in silico prediction for this alteration is inconclusive. Since supporting evidence is limited at this time, the clinical significance of this alteration remains unclear.